The following is an entry in ClinVar:

NM_005228.5(EGFR):c.2971A>G (p.Ser991Gly)

Gene: EGFR (epidermal growth factor receptor; plus strand). Cytogenetic location: 7p11.2.
Variant type: single nucleotide variant.
Coding change: c.2971A>G on transcript NM_005228.5 (MANE Select); coding-DNA position 2971, A replaced by G.
Protein change: p.Ser991Gly; replaces serine 991 with glycine.
Molecular consequence: missense variant.
Genome position (GRCh38, 1-based): chr7:55,201,212, A>G. VCF-style: chr7-55201212-A-G. GRCh37 (hg19) VCF-style: chr7-55268905-A-G.
Other names: c.2836A>G, p.Ser946Gly (NM_001346897.2, NM_001346899.2); c.2971A>G, p.Ser991Gly (NM_001346898.2); c.2812A>G, p.Ser938Gly (NM_001346900.2); c.2170A>G, p.Ser724Gly (NM_001346941.2); short protein forms S991G, S938G, S946G, S724G.
Identifiers: ClinVar variation 4016698 (VCV004016698.1).

ClinVar aggregate classification (germline): Uncertain significance (1 of 4 stars; one submission).

Conditions:
Hereditary cancer-predisposing syndrome. Also called: Tumor predisposition; Hereditary neoplastic syndrome; Neoplastic Syndromes, Hereditary; Hereditary Cancer Syndrome. Identifiers: Orphanet 140162, MedGen C0027672, MeSH D009386, MONDO:0015356.

Submission:

Ambry Genetics
Classification: Uncertain significance for Hereditary cancer-predisposing syndrome. Last evaluated: 2025-04-11. Review status: criteria provided, single submitter. Criteria: Ambry Variant Classification Scheme 2023. Collection method: clinical testing. Allele origin: germline.
Comment: The p.S991G variant (also known as c.2971A>G), located in coding exon 25 of the EGFR gene, results from an A to G substitution at nucleotide position 2971. The serine at codon 991 is replaced by glycine, an amino acid with similar properties. This amino acid position is highly conserved in available vertebrate species. In addition, the in silico prediction for this alteration is inconclusive. Based on the available evidence, the clinical significance of this variant remains unclear.